The following is an entry in ClinVar:

NM_000080.4(CHRNE):c.1070dup (p.Pro358fs)

Genes: CHRNE (cholinergic receptor nicotinic epsilon subunit; minus strand), LOC130060041 (ATAC-STARR-seq lymphoblastoid silent region 8050; plus strand). Cytogenetic location: 17p13.2.
Variant type: Duplication.
Coding change: c.1070dup on transcript NM_000080.4 (MANE Select); coding-DNA position 1070, one base duplicated (C; older notation c.1070dupC).
Protein change: p.Pro358fs; shifts the reading frame from proline 358.
Molecular consequence: frameshift variant.
Genome position (GRCh38, 1-based): chr17:4,899,347, G duplicated on the plus strand (C on the coding strand, the reverse complement: CHRNE is on the minus strand); the first of 4 consecutive G bases (chr17:4,899,347-4,899,350); duplicating any one gives the same sequence. VCF-style (leftmost placement, unchanged base first): chr17-4899346-C-CG. GRCh37 (hg19) VCF-style: chr17-4802641-C-CG.
Other names: short protein forms P358fs.
Identifiers: ClinVar variation 2963044 (VCV002963044.3), dbSNP rs2507542040, ClinGen allele CA2740095210.
Genomic context (GRCh38, chr17:4,899,346, plus strand): 5'-TAAGCCCACCGACGACGCCCGCCTTGGGGGCGAGGCGGCCCGGGGGGCCTCGGGCGGCGG[C>CG]GGGGAGCCCAGGAGGCGCGGCAGCAGCTCCAGGAGAACCTGGGGCAGGGGCGGGGCTTAG-3'

ClinVar aggregate classification (germline): Pathogenic (1 of 4 stars; one submission).

Conditions:
Congenital myasthenic syndrome 4A. Also called: Myasthenic syndrome, congenital, 4a, slow-channel; CONGENITAL MYASTHENIC SYNDROME TYPE Ia1; MYASTHENIC SYNDROME, CONGENITAL, 4A, SLOW-CHANNEL, AUTOSOMAL RECESSIVE. Identifiers: Orphanet 590, MedGen C4225413, MONDO:0011600, OMIM 605809.

Submission:

Labcorp Genetics (formerly Invitae), Labcorp
Classification: Pathogenic for Congenital myasthenic syndrome 4A. Last evaluated: 2023-01-13. Review status: criteria provided, single submitter. Criteria: Invitae Variant Classification Sherloc (09022015). Collection method: clinical testing. Allele origin: germline.
Comment: This variant has not been reported in the literature in individuals affected with CHRNE-related conditions. For these reasons, this variant has been classified as Pathogenic. This variant is not present in population databases (gnomAD no frequency). This sequence change creates a premature translational stop signal (p.Pro358Alafs*39) in the CHRNE gene. It is expected to result in an absent or disrupted protein product. Loss-of-function variants in CHRNE are known to be pathogenic (PMID: 22678886).

Literature cited by the submitters: PubMed 22678886.